The following is an entry in ClinVar:

ClinVar aggregate classification (germline): Uncertain significance (1 of 4 stars; one submission).

Conditions:
Epidermolysis bullosa simplex 4, localized or generalized intermediate, autosomal recessive. Also called: Epidermolysis bullosa, nonspecific, autosomal recessive. Identifiers: Orphanet 412189, MedGen C3554367, MONDO:0014014, OMIM 615028.

Submission:

Juno Genomics, Hangzhou Juno Genomics, Inc
Classification: Uncertain significance for Epidermolysis bullosa simplex 4, localized or generalized intermediate, autosomal recessive. Review status: criteria provided, single submitter. Criteria: ACMG Guidelines, 2015. Collection method: clinical testing. Allele origin: germline.
Comment: Null variant in a gene where loss of function (LOF) is a known mechanism of disease.;Absent from controls (or at extremely low frequency if recessive) in Genome Aggregation Database.

NM_015065.3(EXPH5):c.2487T>A (p.Cys829Ter)

Gene: EXPH5 (exophilin 5; minus strand). Cytogenetic location: 11q22.3.
Variant type: single nucleotide variant.
Coding change: c.2487T>A on transcript NM_015065.3 (MANE Select); coding-DNA position 2487, T replaced by A.
Protein change: p.Cys829Ter; replaces cysteine 829 with a stop codon.
Molecular consequence: nonsense.
Genome position (GRCh38, 1-based): chr11:108,513,020, A>T on the plus strand (T>A on the coding strand, the complement: EXPH5 is on the minus strand). VCF-style: chr11-108513020-A-T. GRCh37 (hg19) VCF-style: chr11-108383747-A-T.
Other names: c.2019T>A, p.Cys673Ter (NM_001144764.2); c.1923T>A, p.Cys641Ter (NM_001144765.2); c.2466T>A, p.Cys822Ter (NM_001308019.2); c.2484T>A, p.Cys828Ter (NM_001441059.1); c.2463T>A, p.Cys821Ter (NM_001441060.1); c.2259T>A, p.Cys753Ter (NM_001441061.1, NM_001441067.1, NM_001441068.1 and 5 more transcripts); c.2256T>A, p.Cys752Ter (NM_001441073.1, NM_001441074.1, NM_001441075.1); c.2016T>A, p.Cys672Ter (NM_001441076.1); short protein forms C641*, C752*, C673*, C821*, C828*, C672*, C822*, C829*.
Identifiers: ClinVar variation 5007772 (VCV005007772.2).